The following is an entry in ClinVar:

ClinVar aggregate classification (germline): Pathogenic. Review status: criteria provided, multiple submitters, no conflicts (2 of 4 stars). 3 submissions from 3 submitters: Pathogenic (3). Last evaluated 2022-12-31.

Conditions:
Cardiovascular phenotype. Identifiers: MedGen CN230736.
Hereditary hemorrhagic telangiectasia (HHT). Also called: ORW DISEASE; Osler Weber Rendu syndrome; OSLER-RENDU-WEBER DISEASE; Osler hemorrhagic telangiectasia syndrome. Identifiers: Orphanet 774, MedGen C0039445, MONDO:0019180. Disease mechanism: loss of function.

Submissions (3):

Labcorp Genetics (formerly Invitae), Labcorp
Classification: Pathogenic for Hereditary hemorrhagic telangiectasia. Last evaluated: 2022-12-31. Review status: criteria provided, single submitter. Criteria: Invitae Variant Classification Sherloc (09022015). Collection method: clinical testing. Allele origin: germline.
Comment: This sequence change creates a premature translational stop signal (p.Gly514Alafs*4) in the ENG gene. It is expected to result in an absent or disrupted protein product. Loss-of-function variants in ENG are known to be pathogenic (PMID: 15879500). This variant is not present in population databases (gnomAD no frequency). This variant has not been reported in the literature in individuals affected with ENG-related conditions. ClinVar contains an entry for this variant (Variation ID: 439657). For these reasons, this variant has been classified as Pathogenic.

Ambry Genetics
Classification: Pathogenic for Cardiovascular phenotype. Last evaluated: 2019-08-12. Review status: criteria provided, single submitter. Criteria: Ambry Variant Classification Scheme 2023. Collection method: clinical testing. Allele origin: germline.
Comment: The c.1541delG pathogenic mutation, located in coding exon 12 of the ENG gene, results from a deletion of one nucleotide at nucleotide position 1541, causing a translational frameshift with a predicted alternate stop codon (p.G514Afs*4). This alteration is expected to result in loss of function by premature protein truncation or nonsense-mediated mRNA decay. As such, this alteration is interpreted as a disease-causing mutation.

ARUP Laboratories, Molecular Genetics and Genomics, ARUP Laboratories
Classification: Pathogenic. Last evaluated: 2017-01-13. Review status: criteria provided, single submitter. Criteria: ARUP Molecular Germline Variant Investigation Process. Collection method: clinical testing. Allele origin: germline.

Literature cited by the submitters: PubMed 15879500 (cited by Labcorp Genetics (formerly Invitae), Labcorp).

NM_001114753.3(ENG):c.1541del (p.Gly514fs)

Genes: ENG (endoglin; minus strand), LOC102723566 (uncharacterized LOC102723566; plus strand). Cytogenetic location: 9q34.11.
Variant type: Deletion.
Coding change: c.1541del on transcript NM_001114753.3 (MANE Select); coding-DNA position 1541, one base deleted (G; older notation c.1541delG).
Protein change: p.Gly514fs; shifts the reading frame from glycine 514.
Molecular consequence: frameshift variant.
Genome position (GRCh38, 1-based): chr9:127,818,265, C deleted on the plus strand (G on the coding strand, the reverse complement: ENG is on the minus strand); the first of 3 consecutive C bases (chr9:127,818,265-127,818,267); deleting any one gives the same sequence. VCF-style (leftmost placement, unchanged base first): chr9-127818264-GC-G. GRCh37 (hg19) VCF-style: chr9-130580543-GC-G.
Other names: c.1539delG, p.Gly514Alafs (NM_000118.4); c.995del, p.Gly332fs (NM_001278138.2); c.1541delG (NM_000118.3); short protein forms G332fs, G514fs.
Identifiers: ClinVar variation 439657 (VCV000439657.18), dbSNP rs1554809268, ClinGen allele CA645509431.
Genomic context (GRCh38, chr9:127,818,264, plus strand): 5'-GAGGAGGAAGCTGAAGCGCGGGTCACCCTCGGGGCTTGGGGACAGCAGGCTCACACAGTT[GC>G]CCTTGGCCGCCCGGCCCTGGATGAGTTCCACGGTGCCTCCCTCAGGCCCCAAGTCCAGGT-3'